The following is an entry in ClinVar:

NM_000128.4(F11):c.1388T>A (p.Val463Asp)

Gene: F11 (coagulation factor XI; plus strand). Cytogenetic location: 4q35.2.
Variant type: single nucleotide variant.
Coding change: c.1388T>A on transcript NM_000128.4 (MANE Select); coding-DNA position 1388, T replaced by A.
Protein change: p.Val463Asp; replaces valine 463 with aspartic acid.
Molecular consequence: missense variant.
Genome position (GRCh38, 1-based): chr4:186,285,721, T>A. VCF-style: chr4-186285721-T-A. GRCh37 (hg19) VCF-style: chr4-187206875-T-A.
Other names: short protein forms V463D.
Identifiers: ClinVar variation 2572130 (VCV002572130.1), dbSNP rs2477406080, ClinGen allele CA358943345.

ClinVar aggregate classification (germline): Uncertain significance (1 of 4 stars; one submission).

Conditions:
Hereditary factor XI deficiency disease. Also called: Congenital factor XI deficiency; PLASMA THROMBOPLASTIN ANTECEDENT DEFICIENCY; PTA DEFICIENCY; ROSENTHAL SYNDROME. Identifiers: Orphanet 329, MedGen C0015523, MeSH D005173, MONDO:0012897, OMIM 612416.

Allele frequency attached by ClinVar (database versions not stated): gnomAD exomes below 0.00001.
gnomAD v4.1: 1 of 1,614,114 alleles (0.000062%); highest among the groups gnomAD compares: Non-Finnish European, 0.000085%; no homozygotes.

Submission:

ISTH-SSC Genomics in Thrombosis and Hemostasis, KU Leuven, Center for Molecular and Vascular Biology
Classification: Uncertain significance for Hereditary factor XI deficiency disease. Review status: criteria provided, single submitter. Criteria: ACMG Guidelines, 2015. Collection method: clinical testing. Allele origin: germline. Affected: yes. Observed: 1 heterozygote.
Comment: Submitted to the GoldVariant database by Kathleen Freson, Center for Molecular and Vascular Biology